The following is an entry in ClinVar:

NM_002473.6(MYH9):c.5833G>A (p.Glu1945Lys)

Gene: MYH9 (myosin heavy chain 9; minus strand). Cytogenetic location: 22q12.3.
Variant type: single nucleotide variant.
Coding change: c.5833G>A on transcript NM_002473.6 (MANE Select); coding-DNA position 5833, G replaced by A.
Protein change: p.Glu1945Lys; replaces glutamic acid 1945 with lysine.
Molecular consequence: missense variant.
Genome position (GRCh38, 1-based): chr22:36,282,718, C>T on the plus strand (G>A on the coding strand, the complement: MYH9 is on the minus strand). VCF-style: chr22-36282718-C-T. GRCh37 (hg19) VCF-style: chr22-36678764-C-T.
Other names: short protein forms E1945K.
Identifiers: ClinVar variation 1307714 (VCV001307714.6), dbSNP rs1478233597, ClinGen allele CA411371343.

ClinVar aggregate classification (germline): Conflicting classifications of pathogenicity. Review status: criteria provided, conflicting classifications (1 of 4 stars). 2 submissions from 2 submitters: Uncertain significance (1); Likely benign (1). Last evaluated 2024-03-06.

Allele frequency attached by ClinVar (database versions not stated): gnomAD exomes below 0.00001 and 0.00001; TOPMed below 0.00001; gnomAD 0.00001.
gnomAD v4.1: 6 of 1,613,896 alleles (0.00037%); highest among the groups gnomAD compares: Non-Finnish European, 0.00034%; no homozygotes.

Submissions (2):

Labcorp Genetics (formerly Invitae), Labcorp
Classification: Likely benign. Last evaluated: 2024-03-06. Review status: criteria provided, single submitter. Criteria: Invitae Variant Classification Sherloc (09022015). Collection method: clinical testing. Allele origin: germline.

GeneDx
Classification: Uncertain significance. Last evaluated: 2019-03-20. Review status: criteria provided, single submitter. Criteria: GeneDx Variant Classification Process June 2021. Collection method: clinical testing. Allele origin: germline. Affected: yes.
Comment: Has not been previously published as pathogenic or benign to our knowledge; In silico analysis, which includes protein predictors and evolutionary conservation, supports that this variant does not alter protein structure/function